The following is an entry in ClinVar:

NM_015443.4(KANSL1):c.3185G>C (p.Arg1062Pro)

Gene: KANSL1 (KAT8 regulatory NSL complex subunit 1). Cytogenetic location: 17q21.31.
Variant type: single nucleotide variant.
Coding change: c.3185G>C on transcript NM_015443.4 (MANE Select); coding-DNA position 3185, G replaced by C.
Protein change: p.Arg1062Pro; replaces arginine 1062 with proline.
Molecular consequence: missense variant.
Genome position (GRCh38, 1-based): chr17:46,031,609, C>G on the plus strand (G>C on the coding strand, the complement: KANSL1 is on the minus strand). VCF-style: chr17-46031609-C-G. GRCh37 (hg19) VCF-style: chr17-44108975-C-G.
Other names: c.3182G>C, p.Arg1061Pro (NM_001193465.2, NM_001405856.1, NM_001405857.1 and 1 more transcripts); c.3185G>C, p.Arg1062Pro (NM_001193466.2, NM_001379198.1, NM_001405854.1 and 1 more transcripts); c.3083G>C, p.Arg1028Pro (NM_001405859.1, NM_001405860.1); c.3080G>C, p.Arg1027Pro (NM_001405861.1); c.3053G>C, p.Arg1018Pro (NM_001405872.1, NM_001405873.1, NM_001405874.1); c.2996G>C, p.Arg999Pro (NM_001405875.1, NM_001405876.1, NM_001405877.1 and 1 more transcripts); c.2993G>C, p.Arg998Pro (NM_001405879.1, NM_001405880.1); c.2948G>C, p.Arg983Pro (NM_001405881.1); and 4 more; short protein forms R1018P, R1027P, R1028P, R1061P, R1062P, R576P, R577P, R639P.
Identifiers: ClinVar variation 4686269 (VCV004686269.1).

ClinVar aggregate classification (germline): Uncertain significance (1 of 4 stars; one submission).

Submission:

GeneDx
Classification: Uncertain significance. Last evaluated: 2025-07-15. Review status: criteria provided, single submitter. Criteria: GeneDx Variant Classification Process June 2021. Collection method: clinical testing. Allele origin: germline. Affected: yes.
Comment: Not observed at significant frequency in large population cohorts (gnomAD); In silico analysis suggests that this missense variant does not alter protein structure/function; Has not been previously published as pathogenic or benign to our knowledge